The following is an entry in ClinVar:

ClinVar aggregate classification (germline): Likely benign (1 of 4 stars; one submission).

Conditions:
SLCO1B3-related disorder. Also called: SLCO1B3-related condition.

gnomAD v4.1: 1 of 1,509,572 alleles (0.000066%); highest among the groups gnomAD compares: African/African-American, 0.0014%; no homozygotes.

Submission:

PreventionGenetics, part of Exact Sciences
Classification: Likely benign for SLCO1B3-related condition. Last evaluated: 2025-12-04. Review status: criteria provided, single submitter. Criteria: ACMG Guidelines, 2015. Collection method: clinical testing. Allele origin: germline.
Comment: This variant is classified as likely benign based on ACMG/AMP sequence variant interpretation guidelines (Richards et al. 2015 PMID: 25741868, with internal and published modifications).

NM_019844.4(SLCO1B3):c.481+32C>G

Genes: SLCO1B3 (solute carrier organic anion transporter family member 1B3; plus strand), SLCO1B3-SLCO1B7 (SLCO1B3-SLCO1B7 readthrough; plus strand). Cytogenetic location: 12p12.2.
Variant type: single nucleotide variant.
Coding change: c.481+32C>G on transcript NM_019844.4 (MANE Select); 32 bases into the intron after coding-DNA position 481, C replaced by G.
Molecular consequence: intron variant.
Genome position (GRCh38, 1-based): chr12:20,861,170, C>G. VCF-style: chr12-20861170-C-G. GRCh37 (hg19) VCF-style: chr12-21014104-C-G.
Other names: c.397+32C>G (NM_001349920.2); c.481+32C>G (NM_001371097.1).
Identifiers: ClinVar variation 4983984 (VCV004983984.1).